The following is an entry in ClinVar:

ClinVar aggregate classification (germline): Uncertain significance (1 of 4 stars; one submission).

Conditions:
Epilepsy, X-linked 1, with variable learning disabilities and behavior disorders. Also called: X-linked epilepsy-learning disabilities-behavior disorders syndrome. Identifiers: Orphanet 85294, MedGen C5774177, MONDO:0010339, OMIM 300491.

Allele frequency attached by ClinVar (database versions not stated): gnomAD exomes below 0.00001; TOPMed 0.00002.
gnomAD v4.1: 1 of 1,097,493 alleles (0.000091%); highest among the groups gnomAD compares: Admixed American, 0.0031%; no homozygotes.

Submission:

Labcorp Genetics (formerly Invitae), Labcorp
Classification: Uncertain significance for Epilepsy, X-linked 1, with variable learning disabilities and behavior disorders. Last evaluated: 2025-09-15. Review status: criteria provided, single submitter. Criteria: Invitae Variant Classification Sherloc (09022015). Collection method: clinical testing. Allele origin: germline.
Comment: This sequence change replaces glutamine, which is neutral and polar, with lysine, which is basic and polar, at codon 619 of the SYN1 protein (p.Gln619Lys). This variant is not present in population databases (gnomAD no frequency). This variant has not been reported in the literature in individuals affected with SYN1-related conditions. ClinVar contains an entry for this variant (Variation ID: 1045598). Experimental studies and prediction algorithms are not available or were not evaluated, and the functional significance of this variant is currently unknown. In summary, the available evidence is currently insufficient to determine the role of this variant in disease. Therefore, it has been classified as a Variant of Uncertain Significance.

NM_006950.3(SYN1):c.1855C>A (p.Gln619Lys)

Gene: SYN1 (synapsin I; minus strand). Cytogenetic location: Xp11.3.
Variant type: single nucleotide variant.
Coding change: c.1855C>A on transcript NM_006950.3 (MANE Select); coding-DNA position 1855, C replaced by A.
Protein change: p.Gln619Lys; replaces glutamine 619 with lysine.
Molecular consequence: missense variant.
Genome position (GRCh38, 1-based): chrX:47,574,129, G>T on the plus strand (C>A on the coding strand, the complement: SYN1 is on the minus strand). VCF-style: chrX-47574129-G-T. GRCh37 (hg19) VCF-style: chrX-47433528-G-T.
Other names: c.1855C>A, p.Gln619Lys (NM_133499.2); short protein forms Q619K.
Identifiers: ClinVar variation 1045598 (VCV001045598.9), dbSNP rs1160768934, ClinGen allele CA412822357.